The following is an entry in ClinVar:

NM_001244008.2(KIF1A):c.3041T>A (p.Phe1014Tyr)

Gene: KIF1A (kinesin family member 1A; minus strand). Cytogenetic location: 2q37.3.
Variant type: single nucleotide variant.
Coding change: c.3041T>A on transcript NM_001244008.2 (MANE Select); coding-DNA position 3041, T replaced by A.
Protein change: p.Phe1014Tyr; replaces phenylalanine 1014 with tyrosine.
Molecular consequence: missense variant.
Genome position (GRCh38, 1-based): chr2:240,747,258, A>T on the plus strand (T>A on the coding strand, the complement: KIF1A is on the minus strand). VCF-style: chr2-240747258-A-T. GRCh37 (hg19) VCF-style: chr2-241686675-A-T.
Other names: c.2765T>A, p.Phe922Tyr (NM_001320705.2, NM_001330289.2, NM_001379638.1); c.2840T>A, p.Phe947Tyr (NM_001330290.2, NM_001379634.1, NM_001379635.1 and 1 more transcripts); c.3116T>A, p.Phe1039Tyr (NM_001379631.1); c.2990T>A, p.Phe997Tyr (NM_001379632.1); c.3014T>A, p.Phe1005Tyr (NM_001379633.1, NM_001379642.1, NM_001379645.1); c.2738T>A, p.Phe913Tyr (NM_001379636.1, NM_001379639.1, NM_001379640.1 and 6 more transcripts); c.2813T>A, p.Phe938Tyr (NM_001379637.1, NM_001379648.1); short protein forms F1005Y, F1014Y, F1039Y, F913Y, F922Y, F938Y, F947Y, F997Y.
Identifiers: ClinVar variation 3751004 (VCV003751004.2).
Genomic context (GRCh38, chr2:240,747,258, plus strand): 5'-GCACCTCCAGGTCTGGGACTCGGGAGGGAGCTTGGTACCTTTTCAAAATGCTGGTCATCA[A>T]AGGAGATTTTAGCAGTTCCCGACTGGCGGACGCCAGAGCCATAATCAGGGGCCTCTTCAT-3'
Protein context (NP_001230937.1, residues 1004-1024): VRQSGTAKIS[Phe1014Tyr]DDQHFEKFQS

ClinVar aggregate classification (germline): Uncertain significance (1 of 4 stars; one submission).

Conditions:
Neuropathy, hereditary sensory, type 2C. Also called: KIF1A-Related HSAN2 (HSAN2C); Hereditary sensory and autonomic neuropathy type IIC. Identifiers: Orphanet 970, MedGen C3280168, MONDO:0013634, OMIM 614213.
Hereditary spastic paraplegia 30. Identifiers: Orphanet 101010, MedGen C5235139, MONDO:0012476.
Intellectual disability, autosomal dominant 9 (NESCAVS). Also called: KIF1A-Related Neurodevelopmental Disorder; NESCAV SYNDROME. Identifiers: Orphanet 662367, MedGen C5393830, MONDO:0013656, OMIM 614255.

Submission:

Labcorp Genetics (formerly Invitae), Labcorp
Classification: Uncertain significance for Hereditary spastic paraplegia 30; Neuropathy, hereditary sensory, type 2C; Intellectual disability, autosomal dominant 9. Last evaluated: 2024-02-22. Review status: criteria provided, single submitter. Criteria: Invitae Variant Classification Sherloc (09022015). Collection method: clinical testing. Allele origin: germline.
Comment: This sequence change replaces phenylalanine, which is neutral and non-polar, with tyrosine, which is neutral and polar, at codon 913 of the KIF1A protein (p.Phe913Tyr). This variant is not present in population databases (gnomAD no frequency). This variant has not been reported in the literature in individuals affected with KIF1A-related conditions. Advanced modeling of protein sequence and biophysical properties (such as structural, functional, and spatial information, amino acid conservation, physicochemical variation, residue mobility, and thermodynamic stability) has been performed at Invitae for this missense variant, however the output from this modeling did not meet the statistical confidence thresholds required to predict the impact of this variant on KIF1A protein function. In summary, the available evidence is currently insufficient to determine the role of this variant in disease. Therefore, it has been classified as a Variant of Uncertain Significance.